The following is an entry in ClinVar:

ClinVar aggregate classification (germline): Uncertain significance (1 of 4 stars; one submission).

Conditions:
Familial thoracic aortic aneurysm and aortic dissection (TAAD). Also called: Thoracic aortic aneurysms and dissections. Identifiers: Orphanet 91387, MedGen C4707243, MONDO:0019625.

gnomAD v4.1: 1 of 1,614,018 alleles (0.000062%); highest among the groups gnomAD compares: Non-Finnish European, 0.000085%; no homozygotes.

Submission:

Ambry Genetics
Classification: Uncertain significance for Familial thoracic aortic aneurysm and aortic dissection. Last evaluated: 2026-08-22. Review status: criteria provided, single submitter. Criteria: Ambry Variant Classification Scheme 2023. Collection method: clinical testing. Allele origin: germline.
Comment: The p.K2454R variant (also known as c.7361A>G), located in coding exon 58 of the FBN2 gene, results from an A to G substitution at nucleotide position 7361. The lysine at codon 2454 is replaced by arginine, an amino acid with highly similar properties. This amino acid position is conserved. In addition, this alteration is predicted to be tolerated by in silico analysis. Based on the available evidence, the clinical significance of this variant remains unclear.

NM_001999.4(FBN2):c.7361A>G (p.Lys2454Arg)

Gene: FBN2 (fibrillin 2; minus strand). Cytogenetic location: 5q23.3.
Variant type: single nucleotide variant.
Coding change: c.7361A>G on transcript NM_001999.4 (MANE Select); coding-DNA position 7361, A replaced by G.
Protein change: p.Lys2454Arg; replaces lysine 2454 with arginine.
Molecular consequence: missense variant.
Genome position (GRCh38, 1-based): chr5:128,277,990, T>C on the plus strand (A>G on the coding strand, the complement: FBN2 is on the minus strand). VCF-style: chr5-128277990-T-C. GRCh37 (hg19) VCF-style: chr5-127613682-T-C.
Other names: short protein forms K2454R.
Identifiers: ClinVar variation 5021614 (VCV005021614.1).